The following is an entry in ClinVar:

NM_000051.4(ATM):c.3137T>C (p.Leu1046Pro)

Gene: ATM (ATM serine/threonine kinase; plus strand). Cytogenetic location: 11q22.3.
Variant type: single nucleotide variant.
Coding change: c.3137T>C on transcript NM_000051.4 (MANE Select); coding-DNA position 3137, T replaced by C.
Protein change: p.Leu1046Pro; replaces leucine 1046 with proline.
Molecular consequence: missense variant.
Genome position (GRCh38, 1-based): chr11:108,272,591, T>C. VCF-style: chr11-108272591-T-C. GRCh37 (hg19) VCF-style: chr11-108143318-T-C.
Other names: NM_000051.3(ATM):c.3137T>C; NM_000051.4(ATM):c.3137T>C; c.3137T>C, p.Leu1046Pro (NM_001351834.2); short protein forms L1046P.
Identifiers: ClinVar variation 186558 (VCV000186558.50), dbSNP rs568461905, ClinGen allele CA195169.

ClinVar aggregate classification (germline): Likely pathogenic. Review status: reviewed by expert panel (3 of 4 stars). 14 submissions from 14 submitters: Likely pathogenic (1). 13 of the submissions do not count toward it. Last evaluated 2022-03-16.

Conditions:
ATM-related cancer predisposition. Also called: ATM-related cancer susceptibility. Identifiers: MedGen CN377759, MONDO:0700270.
Hereditary cancer-predisposing syndrome. Also called: Hereditary neoplastic syndrome; Tumor predisposition; Neoplastic Syndromes, Hereditary; Hereditary Cancer Syndrome. Identifiers: Orphanet 140162, MedGen C0027672, MeSH D009386, MONDO:0015356.
Ataxia-telangiectasia syndrome (AT). Also called: Ataxia telangiectasia (A-T); LOUIS-BAR SYNDROME; Ataxia-telangiectasia; Cerebello-oculocutaneous telangiectasia; Immunodeficiency with ataxia telangiectasia; Ataxia-telangiectasia, complementation group D. Identifiers: Orphanet 100, MedGen C0004135, MONDO:0008840, OMIM 208900.
Familial cancer of breast. Also called: hereditary breast carcinoma; Hereditary breast cancer; BREAST CANCER, FAMILIAL. Identifiers: Orphanet 227535, MedGen C0346153, MONDO:0016419, OMIM 114480. Disease mechanism: loss of function.

Allele frequency attached by ClinVar (database versions not stated): gnomAD exomes below 0.00001; gnomAD 0.00001.
gnomAD v4.1: 3 of 1,613,832 alleles (0.00019%); highest among the groups gnomAD compares: South Asian, 0.0022%; no homozygotes.

Submissions (14):

ClinGen Hereditary Breast, Ovarian and Pancreatic Cancer Variant Curation Expert Panel, ClinGen
Classification: Likely pathogenic for ATM-related cancer predisposition. Last evaluated: 2022-03-16. Review status: reviewed by expert panel. Criteria: clingen hbop acmg specifications atm v1-1. Collection method: curation. Allele origin: germline. Inheritance: Autosomal dominant inheritance.
Comment: The ATM c.3137T>C (p.Leu1046Pro) variant is absent in GnomAD v2.1.1 (PM2_Supporting). In silico protein predictors (REVEL Impact: 0.854; Align-GVGD: C65) predict that this alteration is deleterious (PP3). This variant has also been observed in a homozygous and compound heterozygous state (presumed) in multiple individuals with ataxia-telangiectasia (PMIDs: 27664052, 31429931) (PM3_Strong). In summary, this variant meets criteria to be classified as likely pathogenic based on the ACMG/AMP criteria applied as specified by the HBOP Variant Curation Expert Panel.

CeGaT Center for Human Genetics Tuebingen
Classification: Likely pathogenic. Last evaluated: 2026-07-01. Review status: criteria provided, single submitter. Criteria: CeGaT Center For Human Genetics Tuebingen Variant Classification Criteria Version 2. Collection method: clinical testing. Allele origin: germline. Affected: yes. Observed: 2 variant alleles. Not counted in ClinVar's aggregate classification.
Comment: ATM: PM3:Strong, PM2, PM5

Labcorp Genetics (formerly Invitae), Labcorp
Classification: Pathogenic for Ataxia-telangiectasia syndrome. Last evaluated: 2026-01-18. Review status: criteria provided, single submitter. Criteria: Invitae Variant Classification Sherloc (09022015). Collection method: clinical testing. Allele origin: germline. Not counted in ClinVar's aggregate classification.
Comment: This sequence change replaces leucine, which is neutral and non-polar, with proline, which is neutral and non-polar, at codon 1046 of the ATM protein (p.Leu1046Pro). This variant is not present in population databases (gnomAD no frequency). This missense change has been observed in individual(s) with clinical features of ataxia-telangiectasia (PMID: 27664052, 31429931; internal data). In at least one individual the data is consistent with being in trans (on the opposite chromosome) from a pathogenic variant. ClinVar contains an entry for this variant (Variation ID: 186558). Invitae Evidence Modeling of protein sequence and biophysical properties (such as structural, functional, and spatial information, amino acid conservation, physicochemical variation, residue mobility, and thermodynamic stability) has been performed for this missense variant. However, the output from this modeling did not meet the statistical confidence thresholds required to predict the impact of this variant on ATM protein function. Studies have shown that this missense change alters ATM gene expression (PMID: 27664052). This variant disrupts the p.Leu1046 amino acid residue in ATM. Other variant(s) that disrupt this residue have been observed in individuals with ATM-related conditions (PMID: 19535770), which suggests that this may be a clinically significant amino acid residue. For these reasons, this variant has been classified as Pathogenic.

Ambry Genetics
Classification: Likely pathogenic for Hereditary cancer-predisposing syndrome. Last evaluated: 2025-04-11. Review status: criteria provided, single submitter. Criteria: Ambry Variant Classification Scheme 2023. Collection method: clinical testing. Allele origin: germline. Not counted in ClinVar's aggregate classification.
Comment: The p.L1046P variant (also known as c.3137T>C), located in coding exon 20 of the ATM gene, results from a T to C substitution at nucleotide position 3137. The leucine at codon 1046 is replaced by proline, an amino acid with similar properties. This alteration has been detected in a homozygous state in a patient with consistent features of ataxia telangiectasia (A-T), as well as in a compound heterozygous state with a frameshift mutation in a patient with a clinical diagnosis of A-T (Shakya S et al. Clin Genet, 2019 12;96:566-574; Carranza D et al. Neuromolecular Med, 2017 Mar;19:161-174). In addition, this variant was reported in 1/60,466 breast cancer cases and in 0/53,461 controls (Dorling et al. N Engl J Med. 2021 02;384:428-439). This amino acid position is not well conserved in available vertebrate species. In addition, this alteration is predicted to be deleterious by in silico analysis. This variant is considered to be rare based on population cohorts in the Genome Aggregation Database (gnomAD). Based on the majority of available evidence to date, this variant is likely to be pathogenic.

Institute of Human Genetics, Clinical Exome/Genome Diagnostics Group, University Hospital Bonn
Classification: Likely pathogenic for Familial cancer of breast. Last evaluated: 2024-12-17. Review status: criteria provided, single submitter. Criteria: ACMG Guidelines, 2015. Collection method: clinical testing. Allele origin: germline. Inheritance: Autosomal dominant inheritance. Observed: 1 heterozygote. Not counted in ClinVar's aggregate classification.
Comment: PM2_supporting, PM3_strong, PP3

Fulgent Genetics
Classification: Likely pathogenic for Familial cancer of breast; Ataxia-telangiectasia syndrome. Last evaluated: 2024-04-24. Review status: criteria provided, single submitter. Criteria: ACMG Guidelines, 2015. Collection method: clinical testing. Allele origin: germline. Not counted in ClinVar's aggregate classification.

Baylor Genetics
Classification: Likely pathogenic for Familial cancer of breast. Last evaluated: 2024-03-03. Review status: criteria provided, single submitter. Criteria: ACMG Guidelines, 2015. Collection method: clinical testing. Allele origin: unknown. Not counted in ClinVar's aggregate classification.

GeneDx
Classification: Likely pathogenic. Last evaluated: 2024-01-10. Review status: criteria provided, single submitter. Criteria: GeneDx Variant Classification Process June 2021. Collection method: clinical testing. Allele origin: germline. Affected: yes. Not counted in ClinVar's aggregate classification.
Comment: Reported in an individual with breast cancer in published literature (PMID: 33471991); Not observed at significant frequency in large population cohorts (gnomAD); In silico analysis supports that this missense variant has a deleterious effect on protein structure/function; This variant is associated with the following publications: (PMID: 25980754, 19781682, 31429931, 27664052, 33471991)

Color Diagnostics, LLC DBA Color Health
Classification: Likely pathogenic for Hereditary cancer-predisposing syndrome. Last evaluated: 2023-05-10. Review status: criteria provided, single submitter. Criteria: ACMG Guidelines, 2015. Collection method: clinical testing. Allele origin: germline. Not counted in ClinVar's aggregate classification.
Comment: This missense variant replaces leucine with proline at codon 1046 of the ATM protein. Computational prediction suggests that this variant may have deleterious impact on protein structure and function (internally defined REVEL score threshold >= 0.7, PMID: 27666373). In a large international case-control meta-analysis, this variant was reported in 1/60465 breast cancer cases and absent in 53461 controls (PMID: 33471991). This variant was reported in the homozygous state in an individual with clinical features of ataxia-telangiectasia (PMID: 31429931). This variant has also been reported in the compound heterozygous state with a pathogenic truncation variant, c.640del (p.Ser214Profs*16), in an individual affected with ataxia-telangiectasia (PMID: 27664052). Cells derived from this individual showed no detectable protein expression and increased radiosensitivity compared to controls (PMID: 27664052). This variant has not been identified in the general population by the Genome Aggregation Database (gnomAD). Based on the available evidence, this variant is classified as Likely Pathogenic.

Suma Genomics
Classification: Likely pathogenic for Ataxia-telangiectasia syndrome. Review status: criteria provided, single submitter. Criteria: ACMG Guidelines, 2015. Collection method: clinical testing. Allele origin: inherited. Inheritance: Autosomal recessive inheritance. Affected: yes. Not counted in ClinVar's aggregate classification.

Natera, Inc.
Classification: Uncertain significance for Ataxia-telangiectasia. Last evaluated: 2020-09-16. Review status: no assertion criteria provided. Collection method: clinical testing. Allele origin: germline. Not counted in ClinVar's aggregate classification.

Counsyl
Classification: Uncertain significance for Ataxia-telangiectasia syndrome. Last evaluated: 2017-06-26. Review status: no assertion criteria provided. Collection method: clinical testing. Allele origin: unknown. Not counted in ClinVar's aggregate classification.

Diagnostic Laboratory, Department of Genetics, University Medical Center Groningen
Classification: Likely pathogenic. Review status: no assertion criteria provided. Collection method: clinical testing. Allele origin: germline. Affected: yes. Study: VKGL Data-share Consensus. Not counted in ClinVar's aggregate classification.

Genome Diagnostics Laboratory, Amsterdam University Medical Center
Classification: Likely pathogenic. Review status: no assertion criteria provided. Collection method: clinical testing. Allele origin: germline. Affected: yes. Study: VKGL Data-share Consensus. Not counted in ClinVar's aggregate classification.

Literature cited by the submitters: PubMed 27664052 (cited by 4 submitters); PubMed 31429931 (cited by 3 submitters); PubMed 19535770 (cited by Labcorp Genetics (formerly Invitae), Labcorp); PubMed 33471991 (cited by Ambry Genetics and Color Diagnostics, LLC DBA Color Health).